The following is an entry in ClinVar:

ClinVar aggregate classification (germline): Likely pathogenic (1 of 4 stars; one submission).

Conditions:
Usher syndrome. Also called: Usher Syndromes; Usher's syndrome. Identifiers: Orphanet 886, MedGen CN469326, MeSH D052245, MONDO:0019501. Disease mechanism: loss of function.

Submission:

Laboratory for Molecular Medicine, Mass General Brigham Personalized Medicine
Classification: Likely pathogenic for Usher syndrome. Last evaluated: 2020-03-18. Review status: criteria provided, single submitter. Criteria: LMM Criteria. Collection method: clinical testing. Allele origin: germline. Inheritance: Autosomal recessive inheritance. Observed: 1 variant allele.
Comment: The c.(?_1141)_(1449_?)del variant in CDH23 is a deletion that encompasses exons 13-14 of CDH23; however, exact breakpoints cannot be determined due to limitations of the testing technology. This deletion has been previously reported in 2 individuals with clinical features of Usher syndrome who were compound heterozygous for a second truncating CDH23 variant (LMM data, Pugh 2016). While exons 13-14 are in frame, this region of CDH23 is highly conserved and several pathogenic or likey pathogenic variants have been reported in these exons in ClinVar and by our laboratory. In summary, this variant meets criteria to be classified as pathogenic for autosomal recessive Usher syndrome. ACMG/AMP Criteria applied: PVS1_Strong, PM3, PP4.

Literature cited by the submitters: PubMed 26681316.

NC_000010.11:g.(?_71645831)_(71646617_?)del

Gene: CDH23 (cadherin related 23; plus strand). Cytogenetic location: 10q22.1.
Variant type: Deletion.
Identifiers: ClinVar variation 930029 (VCV000930029.4).